The following is an entry in ClinVar:

ClinVar aggregate classification (germline): Pathogenic (1 of 4 stars; one submission).

Conditions:
Arrhythmogenic right ventricular dysplasia 10. Also called: Arrhythmogenic Right Ventricular Dysplasia/Cardiomyopathy10; ARRHYTHMOGENIC RIGHT VENTRICULAR DYSPLASIA, FAMILIAL, 10; Arrhythmogenic right ventricular dysplasia/cardiomyopathy, type 10. Identifiers: MedGen C1857777, MONDO:0012434, OMIM 610193.

Submission:

Labcorp Genetics (formerly Invitae), Labcorp
Classification: Pathogenic for Arrhythmogenic right ventricular dysplasia 10. Last evaluated: 2024-12-02. Review status: criteria provided, single submitter. Criteria: Invitae Variant Classification Sherloc (09022015). Collection method: clinical testing. Allele origin: germline.
Comment: This sequence change affects a donor splice site in intron 14 of the DSG2 gene. While this variant is not anticipated to result in nonsense mediated decay, it likely alters RNA splicing and results in a disrupted protein product. This variant is not present in population databases (gnomAD no frequency). This variant has not been reported in the literature in individuals affected with DSG2-related conditions. Variants that disrupt the consensus splice site are a relatively common cause of aberrant splicing (PMID: 17576681, 9536098). Algorithms developed to predict the effect of sequence changes on RNA splicing suggest that this variant may disrupt the consensus splice site. This variant disrupts a region of the DSG2 protein in which other variant(s) (p.Glu1020Alafs*18) have been determined to be pathogenic (PMID: 20864495, 21397041, 23381804). This suggests that this is a clinically significant region of the protein, and that variants that disrupt it are likely to be disease-causing. For these reasons, this variant has been classified as Pathogenic.

Literature cited by the submitters: PubMed 17576681; PubMed 9536098; PubMed 20864495; PubMed 21397041; PubMed 23381804.

NM_001943.5(DSG2):c.2334+2T>C

Genes: DSG2 (desmoglein 2; plus strand), DSG2-AS1 (DSG2 antisense RNA 1; minus strand). Cytogenetic location: 18q12.1.
Variant type: single nucleotide variant.
Coding change: c.2334+2T>C on transcript NM_001943.5 (MANE Select); the canonical splice donor site of the intron after coding-DNA position 2334, T replaced by C.
Molecular consequence: splice donor variant.
Genome position (GRCh38, 1-based): chr18:31,542,854, T>C. VCF-style: chr18-31542854-T-C. GRCh37 (hg19) VCF-style: chr18-29122817-T-C.
Identifiers: ClinVar variation 3714326 (VCV003714326.2).
Genomic context (GRCh38, chr18:31,542,854, plus strand): 5'-GAGCTCAGGCAGCTGCTGTTGCACTGAACGAAGAATTCTTAAGAAATTATTTCACTGATG[T>C]AAGGATGAGTTTTATGTATTGGTGGTGGGGGGTGGGGGGAACATTTGTATGTGAATGTGA-3'